The following is an entry in ClinVar:

ClinVar aggregate classification (germline): Benign. Review status: criteria provided, multiple submitters, no conflicts (2 of 4 stars). 5 submissions from 5 submitters: Benign (4). 1 of the submissions does not count toward it. Last evaluated 2026-01-24.

Conditions:
Autosomal recessive congenital ichthyosis 1 (LI1). Also called: ICHTHYOSIS, CONGENITAL, AUTOSOMAL RECESSIVE 1, WITH OR WITHOUT BATHING SUIT DISTRIBUTION; ICHTHYOSIS, CONGENITAL, AUTOSOMAL RECESSIVE 1, WITH BATHING SUIT DISTRIBUTION; COLLODION FETUS; DESQUAMATION OF NEWBORN; ICHTHYOSIS CONGENITA; ICHTHYOSIS CONGENITA II. Identifiers: MedGen C4551630, MONDO:0009441, OMIM 242300.

Allele frequency attached by ClinVar (database versions not stated): gnomAD exomes 0.00051 and 0.00132; ExAC 0.00161; 1000 Genomes Project 30x 0.00265; 1000 Genomes Project 0.00280; ESP Exome Variant Server 0.00523; gnomAD 0.00545 and 0.00599; TOPMed 0.00594.
gnomAD v4.1: 1,607 of 1,614,114 alleles (0.1%); highest among the groups gnomAD compares: African/African-American, 1.9%; 15 homozygotes.

Submissions (5):

Labcorp Genetics (formerly Invitae), Labcorp
Classification: Benign. Last evaluated: 2026-01-24. Review status: criteria provided, single submitter. Criteria: Invitae Variant Classification Sherloc (09022015). Collection method: clinical testing. Allele origin: germline.

Illumina Laboratory Services, Illumina
Classification: Benign for Autosomal recessive congenital ichthyosis 1. Last evaluated: 2018-01-13. Review status: criteria provided, single submitter. Criteria: ICSL Variant Classification Criteria 13 December 2019. Collection method: clinical testing. Allele origin: germline.
Comment: This variant was observed in the ICSL laboratory as part of a predisposition screen in an ostensibly healthy population. It had not been previously curated by ICSL or reported in the Human Gene Mutation Database (HGMD: prior to June 1st, 2018), and was therefore a candidate for classification through an automated scoring system. Utilizing variant allele frequency, disease prevalence and penetrance estimates, and inheritance mode, an automated score was calculated to assess if this variant is too frequent to cause the disease. Based on the score and internal cut-off values, a variant classified as benign is not then subjected to further curation. The score for this variant resulted in a classification of benign for this disease.

Breakthrough Genomics
Classification: Benign. Review status: criteria provided, single submitter. Criteria: ACMG Guidelines, 2015. Collection method: not provided. Allele origin: germline. Inheritance: Autosomal recessive inheritance. Affected: yes.

Genome-Nilou Lab
Classification: Benign for Autosomal recessive congenital ichthyosis 1. Review status: criteria provided, single submitter. Criteria: ACMG Guidelines, 2015. Collection method: clinical testing. Allele origin: germline.

Natera, Inc.
Classification: Benign for Autosomal recessive congenital ichthyosis type 1. Last evaluated: 2020-04-17. Review status: no assertion criteria provided. Collection method: clinical testing. Allele origin: germline. Not counted in ClinVar's aggregate classification.

NM_000359.3(TGM1):c.2264C>T (p.Ser755Leu)

Gene: TGM1 (transglutaminase 1; minus strand). Cytogenetic location: 14q12.
Variant type: single nucleotide variant.
Coding change: c.2264C>T on transcript NM_000359.3 (MANE Select); coding-DNA position 2264, C replaced by T.
Protein change: p.Ser755Leu; replaces serine 755 with leucine.
Molecular consequence: missense variant.
Genome position (GRCh38, 1-based): chr14:24,249,503, G>A on the plus strand (C>T on the coding strand, the complement: TGM1 is on the minus strand). VCF-style: chr14-24249503-G-A. GRCh37 (hg19) VCF-style: chr14-24718709-G-A.
Other names: short protein forms S755L.
Identifiers: ClinVar variation 312970 (VCV000312970.19), dbSNP rs35926651, ClinGen allele CA7130819.
Genomic context (GRCh38, chr14:24,249,503, plus strand): 5'-AGCTGTGGGCTGTCCAAGCTGGCAATGAGCTGGCGGGGGCCTGGTCGCACAGGCACAAAC[G>A]ACTGGCGCAGTGTCACTGTTTCATTGCCTCCAATGTCCCTGTGGGCAGAGACAAGGTCAT-3'
Protein context (NP_000350.1, residues 745-765): GGNETVTLRQ[Ser755Leu]FVPVRPGPRQ